The following is an entry in ClinVar:

ClinVar aggregate classification (germline): Uncertain significance (1 of 4 stars; one submission).

Allele frequency attached by ClinVar (database versions not stated): gnomAD exomes 0.00002 and 0.00004; ExAC 0.00003; gnomAD 0.00003; TOPMed 0.00003.
gnomAD v4.1: 25 of 1,606,718 alleles (0.0016%); highest among the groups gnomAD compares: Admixed American, 0.03%; no homozygotes.

Submission:

Labcorp Genetics (formerly Invitae), Labcorp
Classification: Uncertain significance. Last evaluated: 2024-03-12. Review status: criteria provided, single submitter. Criteria: Invitae Variant Classification Sherloc (09022015). Collection method: clinical testing. Allele origin: germline.
Comment: This sequence change replaces histidine, which is basic and polar, with arginine, which is basic and polar, at codon 39 of the IL12RB2 protein (p.His39Arg). This variant is present in population databases (rs761834276, gnomAD 0.03%). This variant has not been reported in the literature in individuals affected with IL12RB2-related conditions. ClinVar contains an entry for this variant (Variation ID: 1501563). Algorithms developed to predict the effect of missense changes on protein structure and function output the following: SIFT: "Not Available"; PolyPhen-2: "Benign"; Align-GVGD: "Not Available". The arginine amino acid residue is found in multiple mammalian species, which suggests that this missense change does not adversely affect protein function. In summary, the available evidence is currently insufficient to determine the role of this variant in disease. Therefore, it has been classified as a Variant of Uncertain Significance.

NM_001374259.2(IL12RB2):c.116A>G (p.His39Arg)

Gene: IL12RB2 (interleukin 12 receptor subunit beta 2; plus strand). Cytogenetic location: 1p31.3.
Variant type: single nucleotide variant.
Coding change: c.116A>G on transcript NM_001374259.2 (MANE Select); coding-DNA position 116, A replaced by G.
Protein change: p.His39Arg; replaces histidine 39 with arginine.
Molecular consequence: missense variant. On other transcripts: non-coding transcript variant (2).
Genome position (GRCh38, 1-based): chr1:67,321,641, A>G. VCF-style: chr1-67321641-A-G. GRCh37 (hg19) VCF-style: chr1-67787324-A-G.
Other names: c.116A>G, p.His39Arg (NM_001258214.1, NM_001258215.1, NM_001258216.1 and 2 more transcripts); short protein forms H39R.
Identifiers: ClinVar variation 1501563 (VCV001501563.8), dbSNP rs761834276, ClinGen allele CA900119.